The following is an entry in ClinVar:

NM_005267.5(GJA8):c.134G>C (p.Trp45Ser)

Gene: GJA8 (gap junction protein alpha 8; plus strand). Cytogenetic location: 1q21.2.
Variant type: single nucleotide variant.
Coding change: c.134G>C on transcript NM_005267.5 (MANE Select); coding-DNA position 134, G replaced by C.
Protein change: p.Trp45Ser; replaces tryptophan 45 with serine.
Molecular consequence: missense variant.
Genome position (GRCh38, 1-based): chr1:147,908,089, G>C. VCF-style: chr1-147908089-G-C. GRCh37 (hg19) VCF-style: chr1-147380216-G-C.
Other names: short protein forms W45S.
Identifiers: ClinVar variation 217335 (VCV000217335.13), dbSNP rs864309688, ClinGen allele CA278808.

ClinVar aggregate classification (germline): Pathogenic/Likely pathogenic. Review status: criteria provided, multiple submitters, no conflicts (2 of 4 stars). 7 submissions from 7 submitters: Pathogenic (3); Likely pathogenic (1). 3 of the submissions do not count toward it. Last evaluated 2023-09-06.

Conditions:
GJA8-related disorder. Also called: GJA8-related condition.
GJA8-related disorders.
Cataract 1 multiple types. Also called: CATARACT, DUFFY-LINKED; CATARACT 1, POSTERIOR SUBCAPSULAR, WITH MICROCORNEA; CATARACT 1, STELLATE NUCLEAR, WITH MICROCORNEA; CATARACT 1, NUCLEAR PROGRESSIVE; CATARACT 1 WITH MICROCORNEA; CATARACT 1, MULTIPLE TYPES, WITH OR WITHOUT MICROCORNEA. Identifiers: Orphanet 1377, MedGen C1861828, MONDO:0007285, OMIM 116200.
Developmental cataract. Also called: Congenital cataract; Bilateral cataracts; Congenital cataracts. Identifiers: MedGen C0009691, HP:0000519.

Allele frequency attached by ClinVar (database versions not stated): TOPMed below 0.00001; gnomAD 0.00001.
gnomAD v4.1: 1 of 1,613,946 alleles (0.000062%); highest among the groups gnomAD compares: Non-Finnish European, 0.000085%; no homozygotes.

Submissions (7):

Labcorp Genetics (formerly Invitae), Labcorp
Classification: Pathogenic for Cataract 1 multiple types. Last evaluated: 2023-09-06. Review status: criteria provided, single submitter. Criteria: Invitae Variant Classification Sherloc (09022015). Collection method: clinical testing. Allele origin: germline.
Comment: ClinVar contains an entry for this variant (Variation ID: 217335). For these reasons, this variant has been classified as Pathogenic. Experimental studies have shown that this missense change affects GJA8 function (PMID: 21228318, 25003127). Advanced modeling of protein sequence and biophysical properties (such as structural, functional, and spatial information, amino acid conservation, physicochemical variation, residue mobility, and thermodynamic stability) performed at Invitae indicates that this missense variant is expected to disrupt GJA8 protein function. This missense change has been observed in individual(s) with bilateral congenital cataracts (PMID: 18334946, 26694549). In at least one individual the variant was observed to be de novo. It has also been observed to segregate with disease in related individuals. This variant is not present in population databases (gnomAD no frequency). This sequence change replaces tryptophan, which is neutral and slightly polar, with serine, which is neutral and polar, at codon 45 of the GJA8 protein (p.Trp45Ser).

Dept. Genetics and Cancer, Menzies Institute for Medical Research, University of Tasmania
Classification: Likely pathogenic for Cataract 1 multiple types. Last evaluated: 2023-01-21. Review status: criteria provided, single submitter. Criteria: ACMG Guidelines, 2015. Collection method: curation. Allele origin: germline. Affected: yes.
Comment: Variant identified and curated during a GJA8 specific review of the literature in relation to pediatric or congenital cataract. ACMG-AMP criteria applied: PP1(Moderate), PM1(Supporting), PS4(Supporting), PM2(Supporting), PM5(Supporting), PP3. Original variant report: PMID:18334946;26694549;28839118;30076350. The cataract phenotype/s reported for this variant are: Jellyfish-like, and Anterior cortical/nuclear. Additional phenotype/s reported in these individual/s are: latent nystagmus. Gene review and curation guidelines are outlined in: DOI 10.1080/17469899.2023.2160320

3billion
Classification: Pathogenic for Cataract 1 multiple types. Last evaluated: 2022-09-01. Review status: criteria provided, single submitter. Criteria: ACMG Guidelines, 2015. Collection method: clinical testing. Allele origin: germline. Affected: yes. Observed: 1 heterozygote.
Comment: The variant is not observed in the gnomAD v2.1.1 dataset. Missense changes are a common disease-causing mechanism. In silico tool predictions suggest damaging effect of the variant on gene or gene product (REVEL: 0.95; 3Cnet: 0.98). Same nucleotide change resulting in same amino acid change has been previously reported to be associated with GJA8-related disorder (ClinVar ID: VCV000217335 / PMID: 18334946). The variant has been previously reported as de novo in a similarly affected individual (PMID: 26694549). Different missense changes at the same codon (p.Trp45Arg, p.Trp45Leu) have been reported to be associated with GJA8-related disorder (ClinVar ID: VCV000845873 / PMID: 28392901 , 30498267). Therefore, this variant is classified as Pathogenic according to the recommendation of ACMG/AMP guideline.

Blueprint Genetics
Classification: Pathogenic for GJA8-related disorders. Last evaluated: 2020-04-30. Review status: criteria provided, single submitter. Criteria: ACMG Guidelines, 2015. Collection method: clinical testing. Allele origin: germline. Affected: yes. Observed: 1 variant allele.

PreventionGenetics, part of Exact Sciences
Classification: Pathogenic for GJA8-related condition. Last evaluated: 2024-01-12. Review status: no assertion criteria provided. Collection method: clinical testing. Allele origin: germline. Not counted in ClinVar's aggregate classification.
Comment: The GJA8 c.134G>C variant is predicted to result in the amino acid substitution p.Trp45Ser. This variant has been reported to segregate with disease in a kindred with congenital cataracts and microcornea (Vanita et al. 2008. PubMed ID: 18334946). This variant has been reported in additional, unrelated individuals with congenital cataracts (Javadiyan et al. 2017. PubMed ID: 28839118; Ma et al. 2016. PubMed ID: 26694549; Zamani et al. 2022. PubMed ID: 35754085). This variant has not been reported in a large population database, indicating this variant is rare. Given the evidence, we interpret this variant as pathogenic.

Department of Ophthalmology, Flinders University
Classification: Pathogenic for Developmental cataract. Last evaluated: 2016-07-29. Review status: no assertion criteria provided. Collection method: clinical testing. Allele origin: inherited. Affected: yes. Not counted in ClinVar's aggregate classification.

Eye Genetics Research Group, Children's Medical Research Institute
Classification: Pathogenic for Developmental cataract. Last evaluated: 2015-01-09. Review status: no assertion criteria provided. Collection method: research. Allele origin: de novo. Affected: yes. Not counted in ClinVar's aggregate classification.

Literature cited by the submitters: PubMed 21228318 (cited by Labcorp Genetics (formerly Invitae), Labcorp); PubMed 25003127 (cited by Labcorp Genetics (formerly Invitae), Labcorp); PubMed 18334946 (cited by 3 submitters); PubMed 26694549 (cited by 4 submitters); PubMed 28839118 (cited by Dept. Genetics and Cancer, Menzies Institute for Medical Research, University of Tasmania); PubMed 30076350 (cited by Dept. Genetics and Cancer, Menzies Institute for Medical Research, University of Tasmania); PubMed 30498267 (cited by 3billion); PubMed 28392901 (cited by 3billion).